The following is an entry in ClinVar:

NM_007294.4(BRCA1):c.9A>T (p.Leu3Phe)

Gene: BRCA1 (BRCA1 DNA repair associated; minus strand). Cytogenetic location: 17q21.31.
Variant type: single nucleotide variant.
Coding change: c.9A>T on transcript NM_007294.4 (MANE Select); coding-DNA position 9, A replaced by T.
Protein change: p.Leu3Phe; replaces leucine 3 with phenylalanine.
Molecular consequence: missense variant. On other transcripts: 5 prime UTR variant (1), non-coding transcript variant (1).
Genome position (GRCh38, 1-based): chr17:43,124,088, T>A on the plus strand (A>T on the coding strand, the complement: BRCA1 is on the minus strand). VCF-style: chr17-43124088-T-A. GRCh37 (hg19) VCF-style: chr17-41276105-T-A.
Other names: c.-180A>T (NM_001407571.1, NM_001407853.1, NM_001407879.1 and 46 more transcripts); c.9A>T, p.Leu3Phe (NM_001407581.1, NM_001407582.1, NM_001407583.1 and 193 more transcripts); c.-249A>T (NM_001407694.1, NM_001407724.1, NM_001407727.1 and 11 more transcripts); c.-253A>T (NM_001407695.1, NM_001408465.1); c.-394A>T (NM_001407696.1); c.-278A>T (NM_001407697.1, NM_001407846.1, NM_001407920.1); c.-79A>T (NM_001407698.1, NM_001407732.1, NM_001407736.1 and 23 more transcripts); c.-252A>T (NM_001407725.1, NM_001407730.1, NM_001407734.1 and 22 more transcripts); and 8 more; short protein forms L3F.
Identifiers: ClinVar variation 441496 (VCV000441496.24), dbSNP rs780157871, ClinGen allele CA10602140.

ClinVar aggregate classification (germline): Conflicting classifications of pathogenicity. Review status: criteria provided, conflicting classifications (1 of 4 stars). 5 submissions from 5 submitters: Uncertain significance (3); Likely benign (2). Last evaluated 2024-04-12.

Conditions:
Hereditary breast ovarian cancer syndrome. Also called: Hereditary breast and ovarian cancer syndrome (HBOC); BRCA1- and BRCA2-Associated Hereditary Breast and Ovarian Cancer; Hereditary breast and/or ovarian cancer syndrome; Hereditary breast and ovarian cancer syndrome; Hereditary breast and ovarian cancer; Breast and ovarian cancer. Identifiers: Orphanet 145, MedGen C0677776, MeSH D061325, MONDO:0003582. Disease mechanism: loss of function.
Hereditary cancer-predisposing syndrome. Also called: Neoplastic Syndromes, Hereditary; Hereditary neoplastic syndrome; Tumor predisposition; Hereditary Cancer Syndrome. Identifiers: Orphanet 140162, MedGen C0027672, MeSH D009386, MONDO:0015356.
Breast-ovarian cancer, familial, susceptibility to, 1 (BROVCA1). Also called: BRCA1 Hereditary Breast and Ovarian Cancer; OVARIAN CANCER, SUSCEPTIBILITY TO. Identifiers: Orphanet 145, MedGen C2676676, MONDO:0011450, OMIM 604370. Disease mechanism: loss of function.

Submissions (6):

Lupski Lab, Baylor-Hopkins CMG, Baylor College of Medicine
Classification: Likely benign for Breast-ovarian cancer, familial, susceptibility to, 1. Last evaluated: 2024-04-12. Review status: criteria provided, single submitter. Criteria: Dawood et al. (medRxiv. 2024). Collection method: curation. Allele origin: germline.
Comment: Each variant was annotated with functional scores from MAVE data which was translated into functional evidence codes. All other evidence codes and combining criteria were adhered to as closely as possible based on the ClinGen VCEP (Variant Curation Expert Panel) gene-specific recommendations. See Supplemental Figure 34 of final paper (Supp Fig. 28 in preprint: doi:10.1101/2024.04.11.24305690) for a table to see which lines of evidence we did not have data for. The ClinGen VCEPs are highly regarded as the gold-standard for gene-specific variant curation and are developed after extensive evaluation of the evidence by clinical and scientific experts for the particular gene to classify genomic variants on a spectrum from pathogenic to benign using the 2015 ACMG/AMP Variant Interpretation Guidelines as a backbone (PMID: 25741868). Reclassification of these VUS variants from gnomAD or All of Us focused only on variants originally prescribed as VUS in ClinVar. To ensure reproducibility, transparency, and increased throughput, all the procedures for annotating variants and assigning evidence codes were codified using Python. All code has been made freely available and is linked in the Code Availability section and all reclassified variants with evidence codes used can be found in Tables S18-19 (preprint: doi:10.1101/2024.04.11.24305690). For the MAVE data, the clinical curation and clinical strength assignment as per the ClinGen recommendations in Brnich et al. (2020) (PMID: 31892348) for or against pathogenicity or benignity of each of these MAVE datasets utilized in this study were previously published in Fayer et al. (2021) (PMID: 34793697).In brief, for BRCA1 variants, if a variant was categorized as FUNC (functional), it was assigned BS3 evidence and no PS3 evidence, whereas if it was categorized as LOF (loss of function), the variant was assigned PS3 evidence and no BS3 evidence. Variants categorized as INT (intermediate) were left unannotated. For the BRCA1 combining criteria, greater than or equal to 1 criteria of strong benign evidence was enough to reclassify the VUS as Likely Benign. This variant GRCh38:17:43124088:T>A was assigned evidence codes ['BS3', 'BP4'] and an overall classification of Likely benign

Baylor Genetics
Classification: Uncertain significance for Breast-ovarian cancer, familial, susceptibility to, 1. Last evaluated: 2023-11-30. Review status: criteria provided, single submitter. Criteria: ACMG Guidelines, 2015. Collection method: clinical testing. Allele origin: unknown.

Labcorp Genetics (formerly Invitae), Labcorp
Classification: Uncertain significance for Hereditary breast ovarian cancer syndrome. Last evaluated: 2022-10-30. Review status: criteria provided, single submitter. Criteria: Invitae Variant Classification Sherloc (09022015). Collection method: clinical testing. Allele origin: germline.
Comment: This variant has not been reported in the literature in individuals affected with BRCA1-related conditions. In summary, the available evidence is currently insufficient to determine the role of this variant in disease. Therefore, it has been classified as a Variant of Uncertain Significance. Experimental studies have shown that this missense change does not substantially affect BRCA1 function (PMID: 30209399). Advanced modeling performed at Invitae incorporating data from internal and/or published experimental studies (PMID: 30209399) indicates that this missense variant is not expected to disrupt BRCA1 function. ClinVar contains an entry for this variant (Variation ID: 441496). This variant is not present in population databases (gnomAD no frequency). This sequence change replaces leucine, which is neutral and non-polar, with phenylalanine, which is neutral and non-polar, at codon 3 of the BRCA1 protein (p.Leu3Phe).

Ambry Genetics
Classification: Likely benign for Hereditary cancer-predisposing syndrome. Last evaluated: 2021-05-20. Review status: criteria provided, single submitter. Criteria: Ambry Variant Classification Scheme 2023. Collection method: clinical testing. Allele origin: germline.

Quest Diagnostics Nichols Institute San Juan Capistrano
Classification: Uncertain significance. Last evaluated: 2019-10-26. Review status: criteria provided, single submitter. Criteria: Quest Diagnostics criteria. Collection method: clinical testing. Allele origin: unknown.

Brotman Baty Institute, University of Washington
No classification provided (evidence only). Condition: Breast-ovarian cancer, familial 1. Review status: no classification provided. Collection method: in vitro. Allele origin: not applicable. Functional consequence: functionally_normal. Not counted in ClinVar's aggregate classification.
ClinVar note: "not provided" was previously submitted as the classification for the variant. However, the classification appeared to be based only on an observation of functional data so it was converted to no classification on 2025-07-30.

Literature cited by the submitters: PubMed 39142283 (cited by Lupski Lab, Baylor-Hopkins CMG, Baylor College of Medicine); PubMed 34793697 (cited by Lupski Lab, Baylor-Hopkins CMG, Baylor College of Medicine); DOI 10.1101/2024.04.11.24305690 (cited by Lupski Lab, Baylor-Hopkins CMG, Baylor College of Medicine); PubMed 30209399 (cited by Labcorp Genetics (formerly Invitae), Labcorp and Ambry Genetics).